The following is an entry in ClinVar:

ClinVar aggregate classification (germline): Uncertain significance (1 of 4 stars; one submission).

Allele frequency attached by ClinVar (database versions not stated): TOPMed 0.00001.

Submission:

GeneDx
Classification: Uncertain significance. Last evaluated: 2025-03-27. Review status: criteria provided, single submitter. Criteria: GeneDx Variant Classification Process June 2021. Collection method: clinical testing. Allele origin: germline. Affected: yes.
Comment: Not observed at significant frequency in large population cohorts (gnomAD); In silico analysis supports that this missense variant has a deleterious effect on protein structure/function; Has not been previously published as pathogenic or benign to our knowledge

NM_001110556.2(FLNA):c.6167G>A (p.Gly2056Asp)

Gene: FLNA (filamin A; minus strand). Cytogenetic location: Xq28.
Variant type: single nucleotide variant.
Coding change: c.6167G>A on transcript NM_001110556.2 (MANE Select); coding-DNA position 6167, G replaced by A.
Protein change: p.Gly2056Asp; replaces glycine 2056 with aspartic acid.
Molecular consequence: missense variant.
Genome position (GRCh38, 1-based): chrX:154,353,060, C>T on the plus strand (G>A on the coding strand, the complement: FLNA is on the minus strand). VCF-style: chrX-154353060-C-T. GRCh37 (hg19) VCF-style: chrX-153581428-C-T.
Other names: c.6143G>A, p.Gly2048Asp (NM_001456.4); short protein forms G2048D, G2056D.
Identifiers: ClinVar variation 1695515 (VCV001695515.3), dbSNP rs2067633678, ClinGen allele CA415195584.